The following is an entry in ClinVar:

NM_000416.3(IFNGR1):c.434T>C (p.Ile145Thr)

Gene: IFNGR1 (interferon gamma receptor 1; minus strand). Cytogenetic location: 6q23.3.
Variant type: single nucleotide variant.
Coding change: c.434T>C on transcript NM_000416.3 (MANE Select); coding-DNA position 434, T replaced by C.
Protein change: p.Ile145Thr; replaces isoleucine 145 with threonine.
Molecular consequence: missense variant.
Genome position (GRCh38, 1-based): chr6:137,204,444, A>G on the plus strand (T>C on the coding strand, the complement: IFNGR1 is on the minus strand). VCF-style: chr6-137204444-A-G. GRCh37 (hg19) VCF-style: chr6-137525581-A-G.
Other names: c.434T>C (NM_000416.2); c.404T>C, p.Ile135Thr (NM_001363526.1); c.311T>C, p.Ile104Thr (NM_001363527.1); short protein forms I135T, I145T, I104T.
Identifiers: ClinVar variation 1039262 (VCV001039262.49), dbSNP rs1779379582, ClinGen allele CA365775432.
Genomic context (GRCh38, chr6:137,204,444, plus strand): 5'-GTTTCGGGATCATAATCGACTTCCTGCTCGTCTCCATTTACAAAAACTGAAGGGTGAAAT[A>G]TGTCAATCATGATTTGCTTCTCCTCCTTTCTGATATCCAGTTTAGGTGGTCCAATTTTTC-3'
Protein context (NP_000407.1, residues 135-155): RKEEKQIMID[Ile145Thr]FHPSVFVNGD

ClinVar aggregate classification (germline): Uncertain significance. Review status: criteria provided, multiple submitters, no conflicts (2 of 4 stars). 2 submissions from 2 submitters: Uncertain significance (2). Last evaluated 2025-06-06.

Conditions:
Inborn genetic diseases. Identifiers: MedGen C0950123, MeSH D030342.
Disseminated atypical mycobacterial infection. Identifiers: MedGen C0694566.

Allele frequency attached by ClinVar (database versions not stated): gnomAD exomes below 0.00001.
gnomAD v4.1: 2 of 1,613,962 alleles (0.00012%); highest among the groups gnomAD compares: Admixed American, 0.0033%; no homozygotes.

Submissions (2):

Ambry Genetics
Classification: Uncertain significance for Inborn genetic diseases. Last evaluated: 2025-06-06. Review status: criteria provided, single submitter. Criteria: Ambry Variant Classification Scheme 2023. Collection method: clinical testing. Allele origin: germline.

Labcorp Genetics (formerly Invitae), Labcorp
Classification: Uncertain significance for Disseminated atypical mycobacterial infection. Last evaluated: 2024-08-21. Review status: criteria provided, single submitter. Criteria: Invitae Variant Classification Sherloc (09022015). Collection method: clinical testing. Allele origin: germline.
Comment: This sequence change replaces isoleucine, which is neutral and non-polar, with threonine, which is neutral and polar, at codon 145 of the IFNGR1 protein (p.Ile145Thr). This variant is not present in population databases (gnomAD no frequency). This variant has not been reported in the literature in individuals affected with IFNGR1-related conditions. ClinVar contains an entry for this variant (Variation ID: 1039262). Invitae Evidence Modeling of protein sequence and biophysical properties (such as structural, functional, and spatial information, amino acid conservation, physicochemical variation, residue mobility, and thermodynamic stability) indicates that this missense variant is not expected to disrupt IFNGR1 protein function with a negative predictive value of 80%. In summary, the available evidence is currently insufficient to determine the role of this variant in disease. Therefore, it has been classified as a Variant of Uncertain Significance.